The following is an entry in ClinVar:

ClinVar aggregate classification (germline): Uncertain significance (1 of 4 stars; one submission).

Submission:

GeneDx
Classification: Uncertain significance. Last evaluated: 2026-03-13. Review status: criteria provided, single submitter. Criteria: GeneDx Variant Classification Process June 2021. Collection method: clinical testing. Allele origin: germline.
Comment: Not observed at significant frequency in large population cohorts (gnomAD); In silico analysis supports that this missense variant has a deleterious effect on protein structure/function; Has not been previously published as pathogenic or benign to our knowledge

NM_024496.4(IRF2BPL):c.1871T>C (p.Met624Thr)

Gene: IRF2BPL (interferon regulatory factor 2 binding protein like; minus strand). Cytogenetic location: 14q24.3.
Variant type: single nucleotide variant.
Coding change: c.1871T>C on transcript NM_024496.4 (MANE Select); coding-DNA position 1871, T replaced by C.
Protein change: p.Met624Thr; replaces methionine 624 with threonine.
Molecular consequence: missense variant.
Genome position (GRCh38, 1-based): chr14:77,025,922, A>G on the plus strand (T>C on the coding strand, the complement: IRF2BPL is on the minus strand). VCF-style: chr14-77025922-A-G. GRCh37 (hg19) VCF-style: chr14-77492265-A-G.
Other names: short protein forms M624T.
Identifiers: ClinVar variation 5009192 (VCV005009192.1).